The following is an entry in ClinVar:

ClinVar aggregate classification (germline): Uncertain significance (1 of 4 stars; one submission).

Conditions:
CXCR4-related disorder. Also called: CXCR4-related condition.

gnomAD v4.1: 8 of 152,190 alleles (0.0053%); highest among the groups gnomAD compares: East Asian, 0.039%; no homozygotes.

Submission:

PreventionGenetics, part of Exact Sciences
Classification: Uncertain significance for CXCR4-related condition. Last evaluated: 2026-08-14. Review status: criteria provided, single submitter. Criteria: ACMG Guidelines, 2015. Collection method: clinical testing. Allele origin: germline.
Comment: The CXCR4 c.149A>G variant is predicted to result in the amino acid substitution p.Asn50Ser. To our knowledge, this variant has not been reported in the literature or in a large population database (gnomAD), indicating this variant is rare. At this time, the clinical significance of this variant is uncertain due to the absence of conclusive functional and genetic evidence.

NM_003467.3(CXCR4):c.16-643A>G

Gene: CXCR4 (C-X-C motif chemokine receptor 4; minus strand). Cytogenetic location: 2q22.1.
Variant type: single nucleotide variant.
Coding change: c.16-643A>G on transcript NM_003467.3 (MANE Select); 643 bases into the intron before coding-DNA position 16, A replaced by G.
Molecular consequence: intron variant. On other transcripts: missense variant (1).
Genome position (GRCh38, 1-based): chr2:136,116,555, T>C on the plus strand (A>G on the coding strand, the complement: CXCR4 is on the minus strand). VCF-style: chr2-136116555-T-C. GRCh37 (hg19) VCF-style: chr2-136874125-T-C.
Other names: c.149A>G, p.Asn50Ser (NM_001348056.2); c.114+35A>G (NM_001348059.2); c.-30-643A>G (NM_001348060.2); short protein forms N50S.
Identifiers: ClinVar variation 4978257 (VCV004978257.1).